The following is an entry in ClinVar:

ClinVar aggregate classification (germline): Uncertain significance. Review status: criteria provided, multiple submitters, no conflicts (2 of 4 stars). 3 submissions from 3 submitters: Uncertain significance (3). Last evaluated 2023-08-22.

Conditions:
Hereditary cancer-predisposing syndrome. Also called: Tumor predisposition; Hereditary neoplastic syndrome; Neoplastic Syndromes, Hereditary; Hereditary Cancer Syndrome. Identifiers: Orphanet 140162, MedGen C0027672, MeSH D009386, MONDO:0015356.
Cardiovascular phenotype. Identifiers: MedGen CN230736.
Juvenile myelomonocytic leukemia (JMML). Also called: LEUKEMIA, JUVENILE MYELOMONOCYTIC, SOMATIC. Identifiers: Orphanet 86834, MedGen C0349639, MONDO:0011908, OMIM 607785, HP:0012209.
Neurofibromatosis, type 1 (NF1). Also called: VON RECKLINGHAUSEN DISEASE; NEUROFIBROMATOSIS, TYPE I, SOMATIC; Peripheral type neurofibromatosis; Neurofibromatosis, type I. Identifiers: Orphanet 636, MedGen C0027831, MONDO:0018975, OMIM 162200. Disease mechanism: loss of function.

Submissions (3):

Baylor Genetics
Classification: Uncertain significance for Juvenile myelomonocytic leukemia. Last evaluated: 2023-08-22. Review status: criteria provided, single submitter. Criteria: ACMG Guidelines, 2015. Collection method: clinical testing. Allele origin: unknown.

Labcorp Genetics (formerly Invitae), Labcorp
Classification: Uncertain significance for Neurofibromatosis, type 1. Last evaluated: 2023-06-07. Review status: criteria provided, single submitter. Criteria: Invitae Variant Classification Sherloc (09022015). Collection method: clinical testing. Allele origin: germline.
Comment: This variant is not present in population databases (gnomAD no frequency). This sequence change replaces aspartic acid, which is acidic and polar, with asparagine, which is neutral and polar, at codon 559 of the NF1 protein (p.Asp559Asn). In summary, the available evidence is currently insufficient to determine the role of this variant in disease. Therefore, it has been classified as a Variant of Uncertain Significance. Advanced modeling of protein sequence and biophysical properties (such as structural, functional, and spatial information, amino acid conservation, physicochemical variation, residue mobility, and thermodynamic stability) performed at Invitae indicates that this missense variant is not expected to disrupt NF1 protein function. ClinVar contains an entry for this variant (Variation ID: 1500965). This variant has not been reported in the literature in individuals affected with NF1-related conditions.

Ambry Genetics
Classification: Uncertain significance for Cardiovascular phenotype; Hereditary cancer-predisposing syndrome. Last evaluated: 2021-03-25. Review status: criteria provided, single submitter. Criteria: Ambry Variant Classification Scheme 2023. Collection method: clinical testing. Allele origin: germline.
Comment: The p.D559N variant (also known as c.1675G>A), located in coding exon 15 of the NF1 gene, results from a G to A substitution at nucleotide position 1675. The aspartic acid at codon 559 is replaced by asparagine, an amino acid with highly similar properties. This amino acid position is well conserved in available vertebrate species. In addition, this alteration is predicted to be tolerated by in silico analysis. Since supporting evidence is limited at this time, the clinical significance of this alteration remains unclear.

NM_001042492.3(NF1):c.1675G>A (p.Asp559Asn)

Gene: NF1 (neurofibromin 1; plus strand). Cytogenetic location: 17q11.2.
Variant type: single nucleotide variant.
Coding change: c.1675G>A on transcript NM_001042492.3 (MANE Select); coding-DNA position 1675, G replaced by A.
Protein change: p.Asp559Asn; replaces aspartic acid 559 with asparagine.
Molecular consequence: missense variant.
Genome position (GRCh38, 1-based): chr17:31,221,883, G>A. VCF-style: chr17-31221883-G-A. GRCh37 (hg19) VCF-style: chr17-29548901-G-A.
Other names: c.1675G>A, p.Asp559Asn (NM_000267.4, NM_001128147.3); short protein forms D559N.
Identifiers: ClinVar variation 1500965 (VCV001500965.11), dbSNP rs2144004244, ClinGen allele CA399002277.